The following is an entry in ClinVar:

ClinVar aggregate classification (germline): Uncertain significance. Review status: criteria provided, multiple submitters, no conflicts (2 of 4 stars). 3 submissions from 3 submitters: Uncertain significance (3). Last evaluated 2025-10-23.

Conditions:
Cardiovascular phenotype. Identifiers: MedGen CN230736.
Arrhythmogenic right ventricular dysplasia 10. Also called: Arrhythmogenic right ventricular dysplasia/cardiomyopathy, type 10; ARRHYTHMOGENIC RIGHT VENTRICULAR DYSPLASIA, FAMILIAL, 10; Arrhythmogenic Right Ventricular Dysplasia/Cardiomyopathy10. Identifiers: MedGen C1857777, MONDO:0012434, OMIM 610193.

Allele frequency attached by ClinVar (database versions not stated): gnomAD exomes below 0.00001; TOPMed below 0.00001; ExAC 0.00002.
gnomAD v4.1: 12 of 1,613,650 alleles (0.00074%); highest among the groups gnomAD compares: Non-Finnish European, 0.001%; no homozygotes.

Submissions (3):

GeneDx
Classification: Uncertain significance. Last evaluated: 2025-10-23. Review status: criteria provided, single submitter. Criteria: GeneDx Variant Classification Process June 2021. Collection method: clinical testing. Allele origin: germline. Affected: yes.
Comment: Not observed at significant frequency in large population cohorts (gnomAD); In silico analysis supports that this missense variant has a deleterious effect on protein structure/function; Has not been previously published as pathogenic or benign to our knowledge

Ambry Genetics
Classification: Uncertain significance for Cardiovascular phenotype. Last evaluated: 2024-11-03. Review status: criteria provided, single submitter. Criteria: Ambry Variant Classification Scheme 2023. Collection method: clinical testing. Allele origin: germline.
Comment: The p.G82V variant (also known as c.245G>T), located in coding exon 4 of the DSG2 gene, results from a G to T substitution at nucleotide position 245. The glycine at codon 82 is replaced by valine, an amino acid with dissimilar properties. This amino acid position is conserved. In addition, this alteration is predicted to be tolerated by in silico analysis. Based on the available evidence, the clinical significance of this variant remains unclear.

Labcorp Genetics (formerly Invitae), Labcorp
Classification: Uncertain significance for Arrhythmogenic right ventricular dysplasia 10. Last evaluated: 2024-07-17. Review status: criteria provided, single submitter. Criteria: Invitae Variant Classification Sherloc (09022015). Collection method: clinical testing. Allele origin: germline.
Comment: This sequence change replaces glycine, which is neutral and non-polar, with valine, which is neutral and non-polar, at codon 82 of the DSG2 protein (p.Gly82Val). This variant is present in population databases (rs756081987, gnomAD 0.0009%). This variant has not been reported in the literature in individuals affected with DSG2-related conditions. ClinVar contains an entry for this variant (Variation ID: 644597). Advanced modeling of protein sequence and biophysical properties (such as structural, functional, and spatial information, amino acid conservation, physicochemical variation, residue mobility, and thermodynamic stability) performed at Invitae indicates that this missense variant is not expected to disrupt DSG2 protein function with a negative predictive value of 95%. In summary, the available evidence is currently insufficient to determine the role of this variant in disease. Therefore, it has been classified as a Variant of Uncertain Significance.

NM_001943.5(DSG2):c.245G>T (p.Gly82Val)

Gene: DSG2 (desmoglein 2; plus strand). Cytogenetic location: 18q12.1.
Variant type: single nucleotide variant.
Coding change: c.245G>T on transcript NM_001943.5 (MANE Select); coding-DNA position 245, G replaced by T.
Protein change: p.Gly82Val; replaces glycine 82 with valine.
Molecular consequence: missense variant.
Genome position (GRCh38, 1-based): chr18:31,520,831, G>T. VCF-style: chr18-31520831-G-T. GRCh37 (hg19) VCF-style: chr18-29100794-G-T.
Other names: c.245G>T (LRG_397t1); short protein forms G82V.
Identifiers: ClinVar variation 644597 (VCV000644597.9), dbSNP rs756081987, ClinGen allele CA046093.